The following is an entry in ClinVar:

ClinVar aggregate classification (germline): Uncertain significance (1 of 4 stars; one submission).

Conditions:
Spastic paraplegia. Identifiers: MedGen C0037772, HP:0001258.
Combined oxidative phosphorylation defect type 7. Identifiers: Orphanet 254930, MedGen C3150801, MONDO:0013306, OMIM 613559.

Submission:

Labcorp Genetics (formerly Invitae), Labcorp
Classification: Uncertain significance for Combined oxidative phosphorylation defect type 7; Spastic paraplegia. Last evaluated: 2025-04-28. Review status: criteria provided, single submitter. Criteria: Invitae Variant Classification Sherloc (09022015). Collection method: clinical testing. Allele origin: germline.
Comment: This variant, c.139_141del, results in the deletion of 1 amino acid(s) of the C12orf65 protein (p.Lys47del), but otherwise preserves the integrity of the reading frame. This variant is present in population databases (rs767823614, gnomAD 0.003%). This variant has not been reported in the literature in individuals affected with C12orf65-related conditions. Experimental studies and prediction algorithms are not available or were not evaluated, and the functional significance of this variant is currently unknown. In summary, the available evidence is currently insufficient to determine the role of this variant in disease. Therefore, it has been classified as a Variant of Uncertain Significance.

NM_152269.5(MTRFR):c.136AAG[1] (p.Lys47del)

Gene: MTRFR (mitochondrial translation release factor in rescue; plus strand). Cytogenetic location: 12q24.31.
Variant type: Microsatellite.
Coding change: c.136AAG[1] on transcript NM_152269.5 (MANE Select); one copy of the 3-base unit AAG starting at c.136; the reference has two copies in a row; one copy, 3 bases deleted.
Protein change: p.Lys47del; deletes lysine 47.
Molecular consequence: inframe deletion.
Genome position (GRCh38, 1-based): chr12:123,253,813-123,253,815, AAG deleted; deleting any 3 consecutive bases within chr12:123,253,810-123,253,815 gives the same sequence; the position shown is the placement nearest the transcript's 3' end. VCF-style (leftmost placement, unchanged base first): chr12-123253809-CAAG-C. GRCh37 (hg19) VCF-style: chr12-123738356-CAAG-C.
Other names: c.136AAG[1], p.Lys47del (NM_001143905.2, NM_001194995.1); short protein forms K47del.
Identifiers: ClinVar variation 1956827 (VCV001956827.4), dbSNP rs767823614, ClinGen allele CA6856524.